The following is an entry in ClinVar:

NM_000321.3(RB1):c.660_661del (p.Val222fs)

Gene: RB1 (RB transcriptional corepressor 1; plus strand). Cytogenetic location: 13q14.2.
Variant type: Deletion.
Coding change: c.660_661del on transcript NM_000321.3 (MANE Select); coding-DNA positions 660 to 661, 2 bases deleted (AT; older notation c.660_661delAT).
Protein change: p.Val222fs; shifts the reading frame from valine 222.
Molecular consequence: frameshift variant.
Genome position (GRCh38, 1-based): chr13:48,360,069-48,360,070, AT deleted; deleting any 2 consecutive bases within chr13:48,360,068-48,360,070 gives the same sequence; the c. name uses the placement nearest the transcript's 3' end. VCF-style (leftmost placement, unchanged base first): chr13-48360067-CTA-C. GRCh37 (hg19) VCF-style: chr13-48934203-CTA-C.
Other names: c.660_661del, p.Val222fs (NM_001407165.1, NM_001407166.1); short protein forms V222fs.
Identifiers: ClinVar variation 4842604 (VCV004842604.1).
Genomic context (GRCh38, chr13:48,360,067, plus strand): 5'-TTTTTTTCAGGGGAAGTATTACAAATGGAAGATGATCTGGTGATTTCATTTCAGTTAATG[CTA>C]TGTGTCCTTGACTATTTTATTAAACTCTCACCTCCCATGTTGCTCAAAGAACCATATAGT-3'

ClinVar aggregate classification (germline): Pathogenic (1 of 4 stars; one submission).

Conditions:
Hereditary cancer-predisposing syndrome. Also called: Neoplastic Syndromes, Hereditary; Tumor predisposition; Hereditary Cancer Syndrome; Hereditary neoplastic syndrome. Identifiers: Orphanet 140162, MedGen C0027672, MeSH D009386, MONDO:0015356.

Submission:

Ambry Genetics
Classification: Pathogenic for Hereditary cancer-predisposing syndrome. Last evaluated: 2026-01-12. Review status: criteria provided, single submitter. Criteria: Ambry Variant Classification Scheme 2023. Collection method: clinical testing. Allele origin: germline.
Comment: The c.660_661delAT pathogenic mutation, located in coding exon 7 of the RB1 gene, results from a deletion of two nucleotides at nucleotide positions 660 to 661, causing a translational frameshift with a predicted alternate stop codon (p.V222Pfs*2). This variant was reported in individual(s) with features consistent with RB1-related retinoblastoma (Ambry internal data). This variant is considered to be rare based on population cohorts in the Genome Aggregation Database (gnomAD). This alteration is expected to result in loss of function by premature protein truncation or nonsense-mediated mRNA decay. As such, this alteration is interpreted as a disease-causing mutation.